The following is an entry in ClinVar:

ClinVar aggregate classification (germline): Uncertain significance. Review status: criteria provided, multiple submitters, no conflicts (2 of 4 stars). 3 submissions from 3 submitters: Uncertain significance (3). Last evaluated 2025-09-18.

Conditions:
TTC21B-related disorder. Also called: TTC21B-related condition; TTC21B-related disorders.
Asphyxiating thoracic dystrophy 4 (SRTD4). Also called: SHORT-RIB THORACIC DYSPLASIA 4 WITH OR WITHOUT POLYDACTYLY; SHORT-RIB THORACIC DYSPLASIA 4. Identifiers: Orphanet 474, MedGen C3151185, MONDO:0013441, OMIM 613819.
Nephronophthisis 12 (NPHP12). Identifiers: Orphanet 655, MedGen C3151186, MONDO:0013442, OMIM 613820.
Jeune thoracic dystrophy. Also called: Jeune syndrome; Infantile thoracic dystrophy; Thoracic pelvic phalangeal dystrophy; Jeune's syndrome; Chondroectodermal dysplasia-like syndrome; Short-rib thoracic dysplasia. Identifiers: Orphanet 474, MedGen C0265275, MONDO:0018770.
Nephronophthisis. Also called: Juvenile Nephronophthisis. Identifiers: Orphanet 655, MedGen C0687120, MONDO:0019005, HP:0000090.

Allele frequency attached by ClinVar (database versions not stated): gnomAD exomes below 0.00001 and 0.00001; TOPMed below 0.00001; ESP Exome Variant Server 0.00008.
gnomAD v4.1: 12 of 1,614,058 alleles (0.00074%); highest among the groups gnomAD compares: Non-Finnish European, 0.001%; no homozygotes.

Submissions (3):

PreventionGenetics, part of Exact Sciences
Classification: Uncertain significance for TTC21B-related condition. Last evaluated: 2025-09-18. Review status: criteria provided, single submitter. Criteria: ACMG Guidelines, 2015. Collection method: clinical testing. Allele origin: germline.
Comment: The TTC21B c.3490G>A variant is predicted to result in the amino acid substitution p.Ala1164Thr. To our knowledge, this variant has not been reported in the literature. This variant is reported in 0.00088% of alleles in individuals of European (Non-Finnish) descent in gnomAD. At this time, the clinical significance of this variant is uncertain due to the absence of conclusive functional and genetic evidence.

Fulgent Genetics
Classification: Uncertain significance for Asphyxiating thoracic dystrophy 4; Nephronophthisis 12. Last evaluated: 2024-01-01. Review status: criteria provided, single submitter. Criteria: ACMG Guidelines, 2015. Collection method: clinical testing. Allele origin: germline.

Labcorp Genetics (formerly Invitae), Labcorp
Classification: Uncertain significance for Jeune thoracic dystrophy; Nephronophthisis. Last evaluated: 2022-07-12. Review status: criteria provided, single submitter. Criteria: Invitae Variant Classification Sherloc (09022015). Collection method: clinical testing. Allele origin: germline.
Comment: This sequence change replaces alanine, which is neutral and non-polar, with threonine, which is neutral and polar, at codon 1164 of the TTC21B protein (p.Ala1164Thr). The frequency data for this variant in the population databases is considered unreliable, as metrics indicate poor data quality at this position in the gnomAD database. This variant has not been reported in the literature in individuals affected with TTC21B-related conditions. ClinVar contains an entry for this variant (Variation ID: 1521342). Algorithms developed to predict the effect of missense changes on protein structure and function are either unavailable or do not agree on the potential impact of this missense change (SIFT: "Deleterious"; PolyPhen-2: "Probably Damaging"; Align-GVGD: "Class C0"). Algorithms developed to predict the effect of sequence changes on RNA splicing suggest that this variant may create or strengthen a splice site. In summary, the available evidence is currently insufficient to determine the role of this variant in disease. Therefore, it has been classified as a Variant of Uncertain Significance.

NM_024753.5(TTC21B):c.3490G>A (p.Ala1164Thr)

Gene: TTC21B (tetratricopeptide repeat domain 21B; minus strand). Cytogenetic location: 2q24.3.
Variant type: single nucleotide variant.
Coding change: c.3490G>A on transcript NM_024753.5 (MANE Select); coding-DNA position 3490, G replaced by A.
Protein change: p.Ala1164Thr; replaces alanine 1164 with threonine.
Molecular consequence: missense variant.
Genome position (GRCh38, 1-based): chr2:165,883,988, C>T on the plus strand (G>A on the coding strand, the complement: TTC21B is on the minus strand). VCF-style: chr2-165883988-C-T. GRCh37 (hg19) VCF-style: chr2-166740498-C-T.
Other names: c.3490G>A (NM_024753.4); short protein forms A1164T.
Identifiers: ClinVar variation 1521342 (VCV001521342.5), dbSNP rs374018043, ClinGen allele CA59769789.
Genomic context (GRCh38, chr2:165,883,988, plus strand): 5'-CAATACGCTTCAGCTGGTTTCTGGCTCGTGGAGTCTGTTTCAAGATCATATAAGCCGTTG[C>T]CATTCCCAAGAGCGCTGGGATATGCTCCTTCTATAAGAAAACAAAATTTTAGACCATAAG-3'
Protein context (NP_079029.3, residues 1154-1174): KEHIPALLGM[Ala1164Thr]TAYMILKQTP